The following is an entry in ClinVar:

ClinVar aggregate classification (germline): Uncertain significance. Review status: criteria provided, multiple submitters, no conflicts (2 of 4 stars). 3 submissions from 3 submitters: Uncertain significance (3). Last evaluated 2024-05-12.

Conditions:
Catecholaminergic polymorphic ventricular tachycardia (CVPT). Also called: Catecholamine-induced polymorphic ventricular tachycardia. Identifiers: Orphanet 3286, MedGen C5574922, MONDO:0017990.
Catecholaminergic polymorphic ventricular tachycardia 1. Also called: VENTRICULAR TACHYCARDIA, CATECHOLAMINERGIC POLYMORPHIC, 1, WITH OR WITHOUT ATRIAL DYSFUNCTION AND/OR DILATED CARDIOMYOPATHY; VENTRICULAR TACHYCARDIA, STRESS-INDUCED POLYMORPHIC 1; RYR2-Related Catecholaminergic Polymorphic Ventricular Tachycardia. Identifiers: Orphanet 3286, MedGen C1631597, MONDO:0011484, OMIM 604772.
Cardiomyopathy (CMYO). Also called: Cardiomyopathies. Identifiers: Orphanet 167848, MedGen C0878544, MONDO:0004994, HP:0001638. Inheritance: Various modes of inheritance.

Allele frequency attached by ClinVar (database versions not stated): gnomAD exomes below 0.00001 and 0.00001; TOPMed below 0.00001.
gnomAD v4.1: 2 of 1,613,792 alleles (0.00012%); highest among the groups gnomAD compares: Admixed American, 0.0033%; no homozygotes.

Submissions (3):

Labcorp Genetics (formerly Invitae), Labcorp
Classification: Uncertain significance for Catecholaminergic polymorphic ventricular tachycardia 1. Last evaluated: 2024-05-12. Review status: criteria provided, single submitter. Criteria: Invitae Variant Classification Sherloc (09022015). Collection method: clinical testing. Allele origin: germline.
Comment: This sequence change replaces aspartic acid, which is acidic and polar, with glutamic acid, which is acidic and polar, at codon 2018 of the RYR2 protein (p.Asp2018Glu). This variant is present in population databases (no rsID available, gnomAD 0.003%). This variant has not been reported in the literature in individuals affected with RYR2-related conditions. ClinVar contains an entry for this variant (Variation ID: 927088). Advanced modeling of protein sequence and biophysical properties (such as structural, functional, and spatial information, amino acid conservation, physicochemical variation, residue mobility, and thermodynamic stability) performed at Invitae indicates that this missense variant is not expected to disrupt RYR2 protein function with a negative predictive value of 95%. In summary, the available evidence is currently insufficient to determine the role of this variant in disease. Therefore, it has been classified as a Variant of Uncertain Significance.

All of Us Research Program, National Institutes of Health
Classification: Uncertain significance for Catecholaminergic polymorphic ventricular tachycardia. Last evaluated: 2024-05-09. Review status: criteria provided, single submitter. Criteria: ACMG Guidelines, 2015. Collection method: clinical testing. Allele origin: germline. Inheritance: Autosomal dominant inheritance. Observed: 1 variant allele, 1 heterozygote.
Comment: This missense variant replaces aspartic acid with glutamic acid at codon 2018 of the RYR2 protein. Computational prediction tool suggests that this variant may not impact protein structure and function (internally defined REVEL score threshold <=0.5, PMID: 27666373). Splice site prediction tools suggest that this variant may not impact RNA splicing. To our knowledge, functional studies have not been performed for this variant. This variant has not been reported in individuals affected with cardiovascular disorders in the literature. This variant has been identified in 2/249086 chromosomes in the general population by the Genome Aggregation Database (gnomAD). The available evidence is insufficient to determine the role of this variant in disease conclusively. Therefore, this variant is classified as a Variant of Uncertain Significance.

This study involves interpretation of variants in research participants for the purpose of population health screening. Participant phenotype was not available at the time of variant classification. Additional details can be found in publication PMID: 35346344, PMCID: PMC8962531

Color Diagnostics, LLC DBA Color Health
Classification: Uncertain significance for Cardiomyopathy. Last evaluated: 2024-03-06. Review status: criteria provided, single submitter. Criteria: ACMG Guidelines, 2015. Collection method: clinical testing. Allele origin: germline.
Comment: This missense variant replaces aspartic acid with glutamic acid at codon 2018 of the RYR2 protein. Computational prediction tool suggests that this variant may not impact protein structure and function (internally defined REVEL score threshold <=0.5, PMID: 27666373). Splice site prediction tools suggest that this variant may not impact RNA splicing. To our knowledge, functional studies have not been performed for this variant. This variant has not been reported in individuals affected with cardiovascular disorders in the literature. This variant has been identified in 2/249086 chromosomes in the general population by the Genome Aggregation Database (gnomAD). The available evidence is insufficient to determine the role of this variant in disease conclusively. Therefore, this variant is classified as a Variant of Uncertain Significance.

NM_001035.3(RYR2):c.6054T>G (p.Asp2018Glu)

Gene: RYR2 (ryanodine receptor 2; plus strand). Cytogenetic location: 1q43.
Variant type: single nucleotide variant.
Coding change: c.6054T>G on transcript NM_001035.3 (MANE Select); coding-DNA position 6054, T replaced by G.
Protein change: p.Asp2018Glu; replaces aspartic acid 2018 with glutamic acid.
Molecular consequence: missense variant.
Genome position (GRCh38, 1-based): chr1:237,625,692, T>G. VCF-style: chr1-237625692-T-G. GRCh37 (hg19) VCF-style: chr1-237788992-T-G.
Other names: short protein forms D2018E.
Identifiers: ClinVar variation 927088 (VCV000927088.7), dbSNP rs1396015766, ClinGen allele CA345408801.
Genomic context (GRCh38, chr1:237,625,692, plus strand): 5'-TTTTCTGCCTCTCTGTTTTTTTATACTAGGAATTGAGCTGGATGAAGATGGGTCTCTGGA[T>G]GGAAACAGTGATTTAACAATTAGAGGGCGTCTGCTATCCCTGGTAGAAAAGGTGACATAT-3'
Protein context (NP_001026.2, residues 2008-2028): GIELDEDGSL[Asp2018Glu]GNSDLTIRGR